The following is an entry in ClinVar:

NM_001365536.1(SCN9A):c.308C>T (p.Thr103Ile)

Gene: SCN9A (sodium voltage-gated channel alpha subunit 9; minus strand). Cytogenetic location: 2q24.3.
Variant type: single nucleotide variant.
Coding change: c.308C>T on transcript NM_001365536.1 (MANE Select); coding-DNA position 308, C replaced by T.
Protein change: p.Thr103Ile; replaces threonine 103 with isoleucine.
Molecular consequence: missense variant.
Genome position (GRCh38, 1-based): chr2:166,307,025, G>A on the plus strand (C>T on the coding strand, the complement: SCN9A is on the minus strand). VCF-style: chr2-166307025-G-A. GRCh37 (hg19) VCF-style: chr2-167163535-G-A.
Other names: c.308C>T, p.Thr103Ile (NM_002977.4); short protein forms T103I.
Identifiers: ClinVar variation 1727439 (VCV001727439.9), dbSNP rs774058465, ClinGen allele CA1944827.

ClinVar aggregate classification (germline): Uncertain significance. Review status: criteria provided, multiple submitters, no conflicts (2 of 4 stars). 3 submissions from 3 submitters: Uncertain significance (3). Last evaluated 2025-10-07.

Conditions:
Neuropathy, hereditary sensory and autonomic, type 2A (HSAN2A). Also called: ACROOSTEOLYSIS, NEUROGENIC; ACROOSTEOLYSIS, GIACCAI TYPE; MORVAN DISEASE; NEUROPATHY, CONGENITAL SENSORY; NEUROPATHY, HEREDITARY SENSORY RADICULAR, AUTOSOMAL RECESSIVE; NEUROPATHY, HEREDITARY SENSORY, TYPE IIA. Identifiers: Orphanet 970, MedGen C2752089, MONDO:0024309, OMIM 201300.
Generalized epilepsy with febrile seizures plus, type 7 (GEFSP7). Also called: GEFS+, TYPE 7. Identifiers: Orphanet 36387, MedGen C2751778, MONDO:0013470, OMIM 613863.
Inborn genetic diseases. Identifiers: MedGen C0950123, MeSH D030342.

Allele frequency attached by ClinVar (database versions not stated): ExAC 0.00001; gnomAD 0.00002; TOPMed 0.00005.
gnomAD v4.1: 10 of 1,611,960 alleles (0.00062%); highest among the groups gnomAD compares: African/African-American, 0.0093%; no homozygotes.

Submissions (3):

Labcorp Genetics (formerly Invitae), Labcorp
Classification: Uncertain significance for Neuropathy, hereditary sensory and autonomic, type 2A; Generalized epilepsy with febrile seizures plus, type 7. Last evaluated: 2025-10-07. Review status: criteria provided, single submitter. Criteria: Invitae Variant Classification Sherloc (09022015). Collection method: clinical testing. Allele origin: germline.
Comment: This sequence change replaces threonine, which is neutral and polar, with isoleucine, which is neutral and non-polar, at codon 103 of the SCN9A protein (p.Thr103Ile). This variant is present in population databases (rs774058465, gnomAD 0.007%). This variant has not been reported in the literature in individuals affected with SCN9A-related conditions. ClinVar contains an entry for this variant (Variation ID: 1727439). Invitae Evidence Modeling of protein sequence and biophysical properties (such as structural, functional, and spatial information, amino acid conservation, physicochemical variation, residue mobility, and thermodynamic stability) indicates that this missense variant is not expected to disrupt SCN9A protein function with a negative predictive value of 80%. In summary, the available evidence is currently insufficient to determine the role of this variant in disease. Therefore, it has been classified as a Variant of Uncertain Significance.

Women's Health and Genetics/Laboratory Corporation of America, LabCorp
Classification: Uncertain significance. Last evaluated: 2025-07-02. Review status: criteria provided, single submitter. Criteria: LabCorp Variant Classification Summary - May 2015. Collection method: clinical testing. Allele origin: germline.
Comment: Variant summary: SCN9A c.308C>T (p.Thr103Ile) results in a non-conservative amino acid change in the encoded protein sequence. Algorithms developed to predict the effect of missense changes on protein structure and function all suggest that this variant is likely to be disruptive. The variant allele was found at a frequency of 4e-06 in 248816 control chromosomes. The available data on variant occurrences in the general population are insufficient to allow any conclusion about variant significance. To our knowledge, no occurrence of c.308C>T in individuals affected with Channelopathy-Associated Congenital Insensitivity To Pain, Autosomal Recessive and no experimental evidence demonstrating its impact on protein function have been reported. ClinVar contains an entry for this variant (Variation ID: 1727439). Based on the evidence outlined above, the variant was classified as uncertain significance.

Ambry Genetics
Classification: Uncertain significance for Inborn genetic diseases. Last evaluated: 2021-01-19. Review status: criteria provided, single submitter. Criteria: Ambry Variant Classification Scheme 2023. Collection method: clinical testing. Allele origin: germline.
Comment: The p.T103I variant (also known as c.308C>T), located in coding exon 2 of the SCN9A gene, results from a C to T substitution at nucleotide position 308. The threonine at codon 103 is replaced by isoleucine, an amino acid with similar properties. This amino acid position is not well conserved in available vertebrate species. In addition, this alteration is predicted to be deleterious by in silico analysis. Since supporting evidence is limited at this time, the clinical significance of this alteration remains unclear.